The following is an entry in ClinVar:

NM_014055.4(IFT81):c.1042-5A>G

Gene: IFT81 (intraflagellar transport 81; plus strand). Cytogenetic location: 12q24.11.
Variant type: single nucleotide variant.
Coding change: c.1042-5A>G on transcript NM_014055.4 (MANE Select); 5 bases into the intron before coding-DNA position 1042, A replaced by G.
Molecular consequence: intron variant.
Genome position (GRCh38, 1-based): chr12:110,162,914, A>G. VCF-style: chr12-110162914-A-G. GRCh37 (hg19) VCF-style: chr12-110600719-A-G.
Other names: c.112-5A>G (NM_001347948.2, NM_001347947.2); c.1042-5A>G (NM_001143779.2, NM_031473.4, NM_001347946.2).
Identifiers: ClinVar variation 2070385 (VCV002070385.4), dbSNP rs772260975, ClinGen allele CA6783259.
Genomic context (GRCh38, chr12:110,162,914, plus strand): 5'-TTTCACAAGATAATAGAAAGTTGATTGTATATCTTATTATACCTTCATATTTAATGCTCA[A>G]TCAGGCATCTATCATTTCCCGTAAAAAAGAAGCCAAAGCTGAGGAACTTCAGGAGGCCAA-3'

ClinVar aggregate classification (germline): Uncertain significance (1 of 4 stars; one submission).

Allele frequency attached by ClinVar (database versions not stated): gnomAD exomes 0.00002; gnomAD 0.00001; TOPMed below 0.00001; ExAC 0.00003.
gnomAD v4.1: 10 of 1,605,930 alleles (0.00062%); highest among the groups gnomAD compares: Middle Eastern, 0.017%; no homozygotes.

Submission:

Labcorp Genetics (formerly Invitae), Labcorp
Classification: Uncertain significance. Last evaluated: 2024-12-16. Review status: criteria provided, single submitter. Criteria: Invitae Variant Classification Sherloc (09022015). Collection method: clinical testing. Allele origin: germline.
Comment: This sequence change falls in intron 10 of the IFT81 gene. It does not directly change the encoded amino acid sequence of the IFT81 protein. This variant is present in population databases (rs772260975, gnomAD 0.01%). This variant has not been reported in the literature in individuals affected with IFT81-related conditions. ClinVar contains an entry for this variant (Variation ID: 2070385). Algorithms developed to predict the effect of sequence changes on RNA splicing suggest that this variant may disrupt the consensus splice site. In summary, the available evidence is currently insufficient to determine the role of this variant in disease. Therefore, it has been classified as a Variant of Uncertain Significance.